The following is an entry in ClinVar:

NM_006031.6(PCNT):c.8064+6_8064+7del

Gene: PCNT (pericentrin; plus strand). Cytogenetic location: 21q22.3.
Variant type: Deletion.
Coding change: c.8064+6_8064+7del on transcript NM_006031.6 (MANE Select); bases 6 to 7 of the intron after coding-DNA position 8064, 2 bases deleted (AG; older notation c.8064+6_8064+7delAG).
Molecular consequence: intron variant.
Genome position (GRCh38, 1-based): chr21:46,430,663-46,430,664, AG deleted. VCF-style (leftmost placement, unchanged base first): chr21-46430662-CAG-C. GRCh37 (hg19) VCF-style: chr21-47850576-CAG-C.
Other names: c.8064+6_8064+7delAG (NM_006031.5); c.7710+6_7710+7del (NM_001315529.2).
Identifiers: ClinVar variation 1424490 (VCV001424490.5), dbSNP rs768943958, ClinGen allele CA10080859.
Genomic context (GRCh38, chr21:46,430,662, plus strand): 5'-AGGAGGAGCAGCTGCGGCACCTGCAGAGGGAGAGCCAGAGTGCCAAGGCCCTGGAGGTAA[CAG>C]GGTGTCAGGGCAAGGCAGCCGGCATGGGCTGTGTGCACTGGAAGCCTGAAGCCATGCTCC-3'

ClinVar aggregate classification (germline): Uncertain significance. Review status: criteria provided, single submitter (1 of 4 stars). 2 submissions from 2 submitters: Uncertain significance (1). 1 of the submissions does not count toward it. Last evaluated 2026-01-28.

Conditions:
PCNT-related disorder. Also called: PCNT-related condition.

Allele frequency attached by ClinVar (database versions not stated): gnomAD exomes 0.00002 and 0.00005; ExAC 0.00012; gnomAD 0.00017; TOPMed 0.00020.

Submissions (2):

Labcorp Genetics (formerly Invitae), Labcorp
Classification: Uncertain significance. Last evaluated: 2026-01-28. Review status: criteria provided, single submitter. Criteria: Invitae Variant Classification Sherloc (09022015). Collection method: clinical testing. Allele origin: germline.
Comment: This sequence change falls in intron 37 of the PCNT gene. It does not directly change the encoded amino acid sequence of the PCNT protein. It affects a nucleotide within the consensus splice site. This variant is present in population databases (rs768943958, gnomAD 0.08%). This variant has not been reported in the literature in individuals affected with PCNT-related conditions. ClinVar contains an entry for this variant (Variation ID: 1424490). Variants that disrupt the consensus splice site are a relatively common cause of aberrant splicing (PMID: 17576681, 9536098). Algorithms developed to predict the effect of sequence changes on RNA splicing suggest that this variant is not likely to affect RNA splicing. In summary, the available evidence is currently insufficient to determine the role of this variant in disease. Therefore, it has been classified as a Variant of Uncertain Significance.

PreventionGenetics, part of Exact Sciences
Classification: Likely benign for PCNT-related condition. Last evaluated: 2022-03-25. Review status: no assertion criteria provided. Collection method: clinical testing. Allele origin: germline. Not counted in ClinVar's aggregate classification.
Comment: This variant is classified as likely benign based on ACMG/AMP sequence variant interpretation guidelines (Richards et al. 2015 PMID: 25741868, with internal and published modifications).

Literature cited by the submitters: PubMed 17576681 (cited by Labcorp Genetics (formerly Invitae), Labcorp); PubMed 9536098 (cited by Labcorp Genetics (formerly Invitae), Labcorp).